The following is an entry in ClinVar:

NM_138959.3(VANGL1):c.977G>A (p.Arg326Gln)

Gene: VANGL1 (VANGL planar cell polarity protein 1; plus strand). Cytogenetic location: 1p13.1.
Variant type: single nucleotide variant.
Coding change: c.977G>A on transcript NM_138959.3 (MANE Select); coding-DNA position 977, G replaced by A.
Protein change: p.Arg326Gln; replaces arginine 326 with glutamine.
Molecular consequence: missense variant.
Genome position (GRCh38, 1-based): chr1:115,683,974, G>A. VCF-style: chr1-115683974-G-A. GRCh37 (hg19) VCF-style: chr1-116226595-G-A.
Other names: c.971G>A, p.Arg324Gln (NM_001172411.2); c.977G>A, p.Arg326Gln (NM_001172412.2); short protein forms R326Q, R324Q.
Identifiers: ClinVar variation 3188139 (VCV003188139.2), dbSNP rs141396495, ClinGen allele CA1023389.
Genomic context (GRCh38, chr1:115,683,974, plus strand): 5'-CACTATTCTTTCACTGTCCTTTCCCCAAAGGCCCCAGTAACAATGCCACTGGCCAGTCCC[G>A]GGCCATGATTGCTGCAGCTGCTCGGCGCAGGGACTCAAGCCACAACGAGTTGTATTATGA-3'
Protein context (NP_620409.1, residues 316-336): GPSNNATGQS[Arg326Gln]AMIAAAARRR

ClinVar aggregate classification (germline): Uncertain significance. Review status: criteria provided, multiple submitters, no conflicts (2 of 4 stars). 2 submissions from 2 submitters: Uncertain significance (2). Last evaluated 2024-09-20.

Conditions:
Inborn genetic diseases. Identifiers: MedGen C0950123, MeSH D030342.

Allele frequency attached by ClinVar (database versions not stated): gnomAD exomes 0.00002; ExAC 0.00003; gnomAD 0.00004; TOPMed 0.00006; ESP Exome Variant Server 0.00023.
gnomAD v4.1: 31 of 1,613,812 alleles (0.0019%); highest among the groups gnomAD compares: African/African-American, 0.008%; no homozygotes.

Submissions (2):

Women's Health and Genetics/Laboratory Corporation of America, LabCorp
Classification: Uncertain significance. Last evaluated: 2024-09-20. Review status: criteria provided, single submitter. Criteria: LabCorp Variant Classification Summary - May 2015. Collection method: clinical testing. Allele origin: germline.
Comment: Variant summary: VANGL1 c.977G>A (p.Arg326Gln) results in a conservative amino acid change in the encoded protein sequence. Four of five in-silico tools predict a benign effect of the variant on protein function. The variant allele was found at a frequency of 1.9e-05 in 1606818 control chromosomes. This frequency is not significantly higher than estimated for a pathogenic variant in VANGL1 causing VANGL1-Related Disorders, allowing no conclusion about variant significance. To our knowledge, no occurrence of c.977G>A in individuals affected with VANGL1-Related Disorders and no experimental evidence demonstrating its impact on protein function have been reported. ClinVar contains an entry for this variant (Variation ID: 3188139). Based on the evidence outlined above, the variant was classified as uncertain significance.

Ambry Genetics
Classification: Uncertain significance for Inborn genetic diseases. Last evaluated: 2023-10-16. Review status: criteria provided, single submitter. Criteria: Ambry Variant Classification Scheme 2023. Collection method: clinical testing. Allele origin: germline.